The following is an entry in ClinVar:

NM_003401.5(XRCC4):c.80C>T (p.Thr27Ile)

Gene: XRCC4 (X-ray repair cross complementing 4; plus strand). Cytogenetic location: 5q14.2.
Variant type: single nucleotide variant.
Coding change: c.80C>T on transcript NM_003401.5 (MANE Select); coding-DNA position 80, C replaced by T.
Protein change: p.Thr27Ile; replaces threonine 27 with isoleucine.
Molecular consequence: missense variant.
Genome position (GRCh38, 1-based): chr5:83,104,999, C>T. VCF-style: chr5-83104999-C-T. GRCh37 (hg19) VCF-style: chr5-82400818-C-T.
Other names: c.80C>T, p.Thr27Ile (NM_001318012.3, NM_001318013.2, NM_022406.5 and 1 more transcripts); c.80C>T (NM_022406.2); short protein forms T27I.
Identifiers: ClinVar variation 1467030 (VCV001467030.7), dbSNP rs550773308, ClinGen allele CA3332070.

ClinVar aggregate classification (germline): Uncertain significance. Review status: criteria provided, multiple submitters, no conflicts (2 of 4 stars). 3 submissions from 3 submitters: Uncertain significance (3). Last evaluated 2025-01-20.

Conditions:
Short stature, microcephaly, and endocrine dysfunction (SSMED). Identifiers: Orphanet 436182, MedGen C4225288, MONDO:0014686, OMIM 616541.
Inborn genetic diseases. Identifiers: MedGen C0950123, MeSH D030342.

Allele frequency attached by ClinVar (database versions not stated): ExAC 0.00002; gnomAD exomes 0.00002 and 0.00003; gnomAD 0.00006 and 0.00007; TOPMed 0.00015; 1000 Genomes Project 30x 0.00031; 1000 Genomes Project 0.00040.
gnomAD v4.1: 25 of 1,613,514 alleles (0.0015%); highest among the groups gnomAD compares: Admixed American, 0.032%; no homozygotes.

Submissions (3):

Ambry Genetics
Classification: Uncertain significance for Inborn genetic diseases. Last evaluated: 2025-01-20. Review status: criteria provided, single submitter. Criteria: Ambry Variant Classification Scheme 2023. Collection method: clinical testing. Allele origin: germline.

Labcorp Genetics (formerly Invitae), Labcorp
Classification: Uncertain significance. Last evaluated: 2025-01-06. Review status: criteria provided, single submitter. Criteria: Invitae Variant Classification Sherloc (09022015). Collection method: clinical testing. Allele origin: germline.
Comment: This sequence change replaces threonine, which is neutral and polar, with isoleucine, which is neutral and non-polar, at codon 27 of the XRCC4 protein (p.Thr27Ile). This variant is present in population databases (rs550773308, gnomAD 0.009%). This variant has not been reported in the literature in individuals affected with XRCC4-related conditions. ClinVar contains an entry for this variant (Variation ID: 1467030). Invitae Evidence Modeling of protein sequence and biophysical properties (such as structural, functional, and spatial information, amino acid conservation, physicochemical variation, residue mobility, and thermodynamic stability) indicates that this missense variant is expected to disrupt XRCC4 protein function with a positive predictive value of 80%. In summary, the available evidence is currently insufficient to determine the role of this variant in disease. Therefore, it has been classified as a Variant of Uncertain Significance.

Fulgent Genetics
Classification: Uncertain significance for Short stature, microcephaly, and endocrine dysfunction. Last evaluated: 2024-04-17. Review status: criteria provided, single submitter. Criteria: ACMG Guidelines, 2015. Collection method: clinical testing. Allele origin: germline.